The following is an entry in ClinVar:

ClinVar aggregate classification (germline): Uncertain significance (1 of 4 stars; one submission).

Submission:

Labcorp Genetics (formerly Invitae), Labcorp
Classification: Uncertain significance. Last evaluated: 2021-07-10. Review status: criteria provided, single submitter. Criteria: Invitae Variant Classification Sherloc (09022015). Collection method: clinical testing. Allele origin: germline.
Comment: This variant has not been reported in the literature in individuals affected with ADAMTS18-related conditions. This variant is not present in population databases (ExAC no frequency). This sequence change replaces serine with cysteine at codon 1004 of the ADAMTS18 protein (p.Ser1004Cys). The serine residue is highly conserved and there is a moderate physicochemical difference between serine and cysteine. In summary, the available evidence is currently insufficient to determine the role of this variant in disease. Therefore, it has been classified as a Variant of Uncertain Significance. Algorithms developed to predict the effect of missense changes on protein structure and function are either unavailable or do not agree on the potential impact of this missense change (SIFT: "Not Available"; PolyPhen-2: "Probably Damaging"; Align-GVGD: "Not Available").

NM_199355.4(ADAMTS18):c.3011C>G (p.Ser1004Cys)

Gene: ADAMTS18 (ADAM metallopeptidase with thrombospondin type 1 motif 18; minus strand). Cytogenetic location: 16q23.1.
Variant type: single nucleotide variant.
Coding change: c.3011C>G on transcript NM_199355.4 (MANE Select); coding-DNA position 3011, C replaced by G.
Protein change: p.Ser1004Cys; replaces serine 1004 with cysteine.
Molecular consequence: missense variant.
Genome position (GRCh38, 1-based): chr16:77,293,254, G>C on the plus strand (C>G on the coding strand, the complement: ADAMTS18 is on the minus strand). VCF-style: chr16-77293254-G-C. GRCh37 (hg19) VCF-style: chr16-77327151-G-C.
Other names: c.2495C>G, p.Ser832Cys (NM_001326358.2); short protein forms S1004C, S832C.
Identifiers: ClinVar variation 1437551 (VCV001437551.8), dbSNP rs778665951, ClinGen allele CA396833035.